The following is an entry in ClinVar:

NC_000014.8:g.(?_36986483)_(36987245_?)del

Gene: NKX2-1 (NK2 homeobox 1; minus strand). Cytogenetic location: 14q13.3.
Variant type: Deletion.
Identifiers: ClinVar variation 1376422 (VCV001376422.7).

ClinVar aggregate classification (germline): Pathogenic (1 of 4 stars; one submission).

Submission:

Labcorp Genetics (formerly Invitae), Labcorp
Classification: Pathogenic. Last evaluated: 2022-06-20. Review status: criteria provided, single submitter. Criteria: Invitae Variant Classification Sherloc (09022015). Collection method: clinical testing. Allele origin: germline.
Comment: For these reasons, this variant has been classified as Pathogenic. This variant disrupts a region of the NKX2-1 protein in which other variant(s) (p.Tyr174*) have been determined to be pathogenic (PMID: 24714694). This suggests that this is a clinically significant region of the protein, and that variants that disrupt it are likely to be disease-causing. This variant has not been reported in the literature in individuals affected with NKX2-1-related conditions. This variant is a gross deletion of the genomic region encompassing exon(s) 3 of the NKX2-1 gene, which includes the termination codon. This deletion extends beyond the assayed region for this gene and therefore may encompass additional genes. While this deletion is not anticipated to lead to nonsense mediated decay, it is expected to alter mRNA translation or result in a truncated protein product.

Literature cited by the submitters: PubMed 24714694.